The following is an entry in ClinVar:

NM_000059.4(BRCA2):c.2991A>T (p.Leu997Phe)

Gene: BRCA2 (BRCA2 DNA repair associated; plus strand). Cytogenetic location: 13q13.1.
Variant type: single nucleotide variant.
Coding change: c.2991A>T on transcript NM_000059.4 (MANE Select); coding-DNA position 2991, A replaced by T.
Protein change: p.Leu997Phe; replaces leucine 997 with phenylalanine.
Molecular consequence: missense variant.
Genome position (GRCh38, 1-based): chr13:32,337,346, A>T. VCF-style: chr13-32337346-A-T. GRCh37 (hg19) VCF-style: chr13-32911483-A-T.
Other names: short protein forms L997F.
Identifiers: ClinVar variation 938155 (VCV000938155.11), dbSNP rs2072469915, ClinGen allele CA387774609.

ClinVar aggregate classification (germline): Conflicting classifications of pathogenicity. Review status: criteria provided, conflicting classifications (1 of 4 stars). 2 submissions from 2 submitters: Uncertain significance (1); Likely benign (1). Last evaluated 2023-03-23.

Conditions:
Hereditary breast ovarian cancer syndrome. Also called: BRCA1- and BRCA2-Associated Hereditary Breast and Ovarian Cancer; Hereditary breast and/or ovarian cancer syndrome; Hereditary breast and ovarian cancer syndrome; Hereditary breast and ovarian cancer; Breast and ovarian cancer; Hereditary breast and ovarian cancer syndrome (HBOC). Identifiers: Orphanet 145, MedGen C0677776, MeSH D061325, MONDO:0003582. Disease mechanism: loss of function.
Hereditary cancer-predisposing syndrome. Also called: Tumor predisposition; Hereditary neoplastic syndrome; Hereditary Cancer Syndrome; Neoplastic Syndromes, Hereditary. Identifiers: Orphanet 140162, MedGen C0027672, MeSH D009386, MONDO:0015356.

Submissions (2):

University of Washington Department of Laboratory Medicine, University of Washington
Classification: Likely benign for Hereditary cancer-predisposing syndrome. Last evaluated: 2023-03-23. Review status: criteria provided, single submitter. Criteria: Dines et al. (Genet Med. 2020). Collection method: curation. Allele origin: germline.
Comment: Missense variant in a coldspot region where missense variants are very unlikely to be pathogenic (PMID:31911673).

BRCA2 exon 11 coldspot. Reclassification based on statistical prior probability.

Labcorp Genetics (formerly Invitae), Labcorp
Classification: Uncertain significance for Hereditary breast ovarian cancer syndrome. Last evaluated: 2019-09-13. Review status: criteria provided, single submitter. Criteria: Invitae Variant Classification Sherloc (09022015). Collection method: clinical testing. Allele origin: germline.
Comment: This sequence change replaces leucine with phenylalanine at codon 997 of the BRCA2 protein (p.Leu997Phe). The leucine residue is weakly conserved and there is a small physicochemical difference between leucine and phenylalanine. In summary, the available evidence is currently insufficient to determine the role of this variant in disease. Therefore, it has been classified as a Variant of Uncertain Significance. Algorithms developed to predict the effect of missense changes on protein structure and function output the following: SIFT: "Tolerated"; PolyPhen-2: "Probably Damaging"; Align-GVGD: "Class C0". The phenylalanine amino acid residue is found in multiple mammalian species, suggesting that this missense change does not adversely affect protein function. These predictions have not been confirmed by published functional studies and their clinical significance is uncertain. This variant has not been reported in the literature in individuals with BRCA2-related conditions. This variant is not present in population databases (ExAC no frequency).